The following is an entry in ClinVar:

ClinVar aggregate classification (germline): Uncertain significance (1 of 4 stars; one submission).

Submission:

Labcorp Genetics (formerly Invitae), Labcorp
Classification: Uncertain significance. Last evaluated: 2021-04-12. Review status: criteria provided, single submitter. Criteria: Invitae Variant Classification Sherloc (09022015). Collection method: clinical testing. Allele origin: germline.
Comment: Experimental studies and prediction algorithms are not available or were not evaluated, and the functional significance of this variant is currently unknown. In summary, the available evidence is currently insufficient to determine the role of this variant in disease. Therefore, it has been classified as a Variant of Uncertain Significance. This variant has not been reported in the literature in individuals with COL18A1-related conditions. The frequency data for this variant in the population databases is considered unreliable, as metrics indicate insufficient coverage at this position in the ExAC database. This sequence change replaces asparagine with aspartic acid at codon 1098 of the COL18A1 protein (p.Asn1098Asp). There is a small physicochemical difference between asparagine and aspartic acid.

NM_001379500.1(COL18A1):c.3301A>G (p.Asn1101Asp)

Genes: COL18A1 (collagen type XVIII alpha 1 chain; plus strand), SLC19A1 (solute carrier family 19 member 1; minus strand). Cytogenetic location: 21q22.3.
Variant type: single nucleotide variant.
Coding change: c.3301A>G on transcript NM_001379500.1 (MANE Select); coding-DNA position 3301, A replaced by G.
Protein change: p.Asn1101Asp; replaces asparagine 1101 with aspartic acid.
Molecular consequence: missense variant.
Genome position (GRCh38, 1-based): chr21:45,509,407, A>G. VCF-style: chr21-45509407-A-G. GRCh37 (hg19) VCF-style: chr21-46929321-A-G.
Other names: c.3832A>G, p.Asn1278Asp (NM_030582.4); c.4537A>G, p.Asn1513Asp (NM_130444.3); short protein forms N1101D, N1513D, N1278D.
Identifiers: ClinVar variation 1421147 (VCV001421147.6), dbSNP rs2146119765, ClinGen allele CA410500701.
Genomic context (GRCh38, chr21:45,509,407, plus strand): 5'-CACCTGCAGGACAATGAAGTGGCCGCCTTGCAGCCCCCCGTGGTGCAGCTGCACGACAGC[A>G]ACCCCTACCCGCGGCGGGAGCACCCCCACCCCACCGCGCGGCCCTGGCGGGCAGATGACA-3'
Protein context (NP_001366429.1, residues 1091-1111): QPPVVQLHDS[Asn1101Asp]PYPRREHPHP